The following is an entry in ClinVar:

ClinVar aggregate classification (germline): Uncertain significance (1 of 4 stars; one submission).

Conditions:
Hereditary cancer-predisposing syndrome. Also called: Hereditary Cancer Syndrome; Hereditary neoplastic syndrome; Neoplastic Syndromes, Hereditary; Tumor predisposition. Identifiers: Orphanet 140162, MedGen C0027672, MeSH D009386, MONDO:0015356.

Submission:

Ambry Genetics
Classification: Uncertain significance for Hereditary cancer-predisposing syndrome. Last evaluated: 2022-03-01. Review status: criteria provided, single submitter. Criteria: Ambry Variant Classification Scheme 2023. Collection method: clinical testing. Allele origin: germline.
Comment: The p.N3213I variant (also known as c.9638A>T), located in coding exon 25 of the BRCA2 gene, results from an A to T substitution at nucleotide position 9638. The asparagine at codon 3213 is replaced by isoleucine, an amino acid with dissimilar properties. This amino acid position is conserved. In addition, this alteration is predicted to be tolerated by in silico analysis. Since supporting evidence is limited at this time, the clinical significance of this alteration remains unclear.

NM_000059.4(BRCA2):c.9638A>T (p.Asn3213Ile)

Gene: BRCA2 (BRCA2 DNA repair associated; plus strand). Cytogenetic location: 13q13.1.
Variant type: single nucleotide variant.
Coding change: c.9638A>T on transcript NM_000059.4 (MANE Select); coding-DNA position 9638, A replaced by T.
Protein change: p.Asn3213Ile; replaces asparagine 3213 with isoleucine.
Molecular consequence: missense variant.
Genome position (GRCh38, 1-based): chr13:32,397,034, A>T. VCF-style: chr13-32397034-A-T. GRCh37 (hg19) VCF-style: chr13-32971171-A-T.
Other names: c.9542A>T, p.Asn3181Ile (NM_001406719.1); c.9587A>T, p.Asn3196Ile (NM_001406720.1); c.4706A>T, p.Asn1569Ile (NM_001406721.1); c.3221A>T, p.Asn1074Ile (NM_001406722.1); short protein forms N1569I, N3181I, N3196I, N1074I, N3213I.
Identifiers: ClinVar variation 1767618 (VCV001767618.2), dbSNP rs1566260287, ClinGen allele CA387763795.